The following is an entry in ClinVar:

NM_000095.3(COMP):c.1403G>C (p.Cys468Ser)

Gene: COMP (cartilage oligomeric matrix protein; minus strand). Cytogenetic location: 19p13.11.
Variant type: single nucleotide variant.
Coding change: c.1403G>C on transcript NM_000095.3 (MANE Select); coding-DNA position 1403, G replaced by C.
Protein change: p.Cys468Ser; replaces cysteine 468 with serine.
Molecular consequence: missense variant.
Genome position (GRCh38, 1-based): chr19:18,786,051, C>G on the plus strand (G>C on the coding strand, the complement: COMP is on the minus strand). VCF-style: chr19-18786051-C-G. GRCh37 (hg19) VCF-style: chr19-18896861-C-G.
Other names: short protein forms C468S.
Identifiers: ClinVar variation 989361 (VCV000989361.4), dbSNP rs137852651, ClinGen allele CA404884657.

ClinVar aggregate classification (germline): Likely pathogenic (1 of 4 stars; one submission).

Conditions:
Multiple epiphyseal dysplasia type 1. Also called: COMP-Related Multiple Epiphyseal Dysplasia. Identifiers: Orphanet 93308, MedGen C1838280, MONDO:0007561, OMIM 132400.

Submission:

Illumina Laboratory Services, Illumina
Classification: Likely pathogenic for Multiple epiphyseal dysplasia type 1. Last evaluated: 2019-04-26. Review status: criteria provided, single submitter. Criteria: ICSLVariantClassificationCriteria RUGD 01 April 2020. Collection method: clinical testing. Allele origin: unknown.
Comment: The COMP c.1403G>C (p.Cys468Ser) variant is a missense variant. A literature search was performed for the gene, cDNA change, and amino acid change. No publications were found based on this search. This variant is not reported in the Genome Aggregation Database in a region of good sequencing coverage, so the variant is presumed to be rare. Functional studies of the p.Cys468Ser variant have not been conducted, but it affects the seventh type 3 calcium-binding repeat. These repeats play an important role in protein function and are a common site of pathogenic variants, particularly missense variants (Briggs et al. 2002; Tan et al. 2009; Jackson et al. 2012). Cys468 also participates in a disulfide bond. Multiple in silico tools consistently predict a deleterious effect of the p.Cys468Ser variant, and another amino acid change at the same position has been reported as causative for pseudoachondroplasia (Hecht et al. 1995; Xie et al. 2013). Based on the collective evidence, the p.Cys468Ser variant is classified as likely pathogenic for multiple epiphyseal dysplasia.

Literature cited by the submitters: PubMed 11968079; PubMed 19276170; PubMed 21922596; PubMed 23562786; PubMed 7670471.